The following is an entry in ClinVar:

ClinVar aggregate classification (germline): Likely benign (1 of 4 stars; one submission).

Allele frequency attached by ClinVar (database versions not stated): 1000 Genomes Project 30x 0.00062; 1000 Genomes Project 0.00080.
gnomAD v4.1: 209 of 1,614,036 alleles (0.013%); highest among the groups gnomAD compares: African/African-American, 0.073%; no homozygotes.

Submission:

CeGaT Center for Human Genetics Tuebingen
Classification: Likely benign. Last evaluated: 2022-07-01. Review status: criteria provided, single submitter. Criteria: CeGaT Center For Human Genetics Tuebingen Variant Classification Criteria Version 2. Collection method: clinical testing. Allele origin: germline. Affected: yes. Observed: 1 variant allele.
Comment: LRRN1: BP4, BP7

NM_020873.7(LRRN1):c.1209C>T (p.Pro403=)

Gene: LRRN1 (leucine rich repeat neuronal 1; plus strand). Cytogenetic location: 3p26.2.
Variant type: single nucleotide variant.
Coding change: c.1209C>T on transcript NM_020873.7 (MANE Select); coding-DNA position 1209, C replaced by T.
Protein change: p.Pro403=; no amino-acid change (proline 403 retained).
Molecular consequence: synonymous variant.
Genome position (GRCh38, 1-based): chr3:3,845,850, C>T. VCF-style: chr3-3845850-C-T. GRCh37 (hg19) VCF-style: chr3-3887534-C-T.
Other names: c.1209C>T, p.Pro403= (NM_001324188.2, NM_001324189.2).
Identifiers: ClinVar variation 2653447 (VCV002653447.24), dbSNP rs113247781, ClinGen allele CA2229700.